The following is an entry in ClinVar:

ClinVar aggregate classification (germline): Uncertain significance. Review status: criteria provided, multiple submitters, no conflicts (2 of 4 stars). 8 submissions from 8 submitters: Uncertain significance (5). 3 of the submissions do not count toward it. Last evaluated 2024-09-12.

Conditions:
Autosomal recessive nonsyndromic hearing loss 77. Identifiers: Orphanet 90636, MedGen C2746083, MONDO:0013119, OMIM 613079.
Inborn genetic diseases. Identifiers: MedGen C0950123, MeSH D030342.

Allele frequency attached by ClinVar (database versions not stated): gnomAD 0.00027 and 0.00041; 1000 Genomes Project 30x 0.00031; TOPMed 0.00054; gnomAD exomes 0.00059 and 0.00026; ExAC 0.00014; 1000 Genomes Project 0.00020.
gnomAD v4.1: 860 of 1,551,846 alleles (0.055%); highest among the groups gnomAD compares: Non-Finnish European, 0.071%; no homozygotes.

Submissions (8):

Labcorp Genetics (formerly Invitae), Labcorp
Classification: Uncertain significance. Last evaluated: 2024-09-12. Review status: criteria provided, single submitter. Criteria: Invitae Variant Classification Sherloc (09022015). Collection method: clinical testing. Allele origin: germline.
Comment: This sequence change replaces valine, which is neutral and non-polar, with isoleucine, which is neutral and non-polar, at codon 2092 of the LOXHD1 protein (p.Val2092Ile). This variant is present in population databases (rs182149228, gnomAD 0.05%). This variant has not been reported in the literature in individuals affected with LOXHD1-related conditions. ClinVar contains an entry for this variant (Variation ID: 326827). An algorithm developed to predict the effect of missense changes on protein structure and function (PolyPhen-2) suggests that this variant¬†is likely to be tolerated. In summary, the available evidence is currently insufficient to determine the role of this variant in disease. Therefore, it has been classified as a Variant of Uncertain Significance.

Blueprint Genetics
Classification: Uncertain significance. Last evaluated: 2024-03-23. Review status: criteria provided, single submitter. Criteria: ACMG Guidelines, 2015. Collection method: clinical testing. Allele origin: germline.

Ambry Genetics
Classification: Uncertain significance for Inborn genetic diseases. Last evaluated: 2021-08-28. Review status: criteria provided, single submitter. Criteria: Ambry Variant Classification Scheme 2023. Collection method: clinical testing. Allele origin: germline.

Laboratory for Molecular Medicine, Mass General Brigham Personalized Medicine
Classification: Uncertain significance. Last evaluated: 2019-08-28. Review status: criteria provided, single submitter. Criteria: LMM Criteria. Collection method: clinical testing. Allele origin: germline. Observed: 1 variant allele.
Comment: The p.Val2092Ile variant in LOXHD1 has not been previously reported in individuals with hearing loss but has been identified in 0.05% (40/76064) of European chromosomes by gnomAD. This variant has also been reported in ClinVar (Variation ID 326827). Computational prediction tools and conservation analyses do not provide strong support for or against an impact to the protein. In summary, the clinical significance of this variant is uncertain. ACMG/AMP Criteria applied: PM2_Supporting.

Illumina Laboratory Services, Illumina
Classification: Uncertain significance for Autosomal recessive nonsyndromic hearing loss 77. Last evaluated: 2018-01-13. Review status: criteria provided, single submitter. Criteria: ICSL Variant Classification Criteria 13 December 2019. Collection method: clinical testing. Allele origin: germline.

Natera, Inc.
Classification: Uncertain significance for Autosomal recessive deafness type 77. Last evaluated: 2019-10-28. Review status: no assertion criteria provided. Collection method: clinical testing. Allele origin: germline. Not counted in ClinVar's aggregate classification.

Clinical Genetics DNA and cytogenetics Diagnostics Lab, Erasmus MC, Erasmus Medical Center
Classification: Uncertain significance. Review status: no assertion criteria provided. Collection method: clinical testing. Allele origin: germline. Affected: yes. Study: VKGL Data-share Consensus. Not counted in ClinVar's aggregate classification.

Joint Genome Diagnostic Labs from Nijmegen and Maastricht, Radboudumc and MUMC+
Classification: Uncertain significance. Review status: no assertion criteria provided. Collection method: clinical testing. Allele origin: germline. Affected: yes. Study: VKGL Data-share Consensus. Not counted in ClinVar's aggregate classification.

NM_001384474.1(LOXHD1):c.6460G>A (p.Val2154Ile)

Gene: LOXHD1 (lipoxygenase homology PLAT domains 1; minus strand). Cytogenetic location: 18q21.1.
Variant type: single nucleotide variant.
Coding change: c.6460G>A on transcript NM_001384474.1 (MANE Select); coding-DNA position 6460, G replaced by A.
Protein change: p.Val2154Ile; replaces valine 2154 with isoleucine.
Molecular consequence: missense variant.
Genome position (GRCh38, 1-based): chr18:46,477,834, C>T on the plus strand (G>A on the coding strand, the complement: LOXHD1 is on the minus strand). VCF-style: chr18-46477834-C-T. GRCh37 (hg19) VCF-style: chr18-44057797-C-T.
Other names: c.3127G>A, p.Val1043Ile (NM_001145472.3); c.1177G>A, p.Val393Ile (NM_001145473.3, NM_001173129.2); c.2839G>A, p.Val947Ile (NM_001308013.2); c.6274G>A, p.Val2092Ile (NM_144612.7); short protein forms V2092I, V393I, V947I, V1043I, V2154I.
Identifiers: ClinVar variation 326827 (VCV000326827.18), dbSNP rs182149228, ClinGen allele CA8952042.
Genomic context (GRCh38, chr18:46,477,834, plus strand): 5'-CGTTGGCATCAGTGCCTGCCCCTGGCTCATAGCCTGTTGTCACGATGACTTCGTACTTGA[C>T]GGGCACCAGGCTCTGGACCTTGCTGGCAAAGCTCTCTGTCGTCTTGGTAACCTCGAATAC-3'
Protein context (NP_001371403.1, residues 2144-2164): FASKVQSLVP[Val2154Ile]KYEVIVTTGY